The following is an entry in ClinVar:

ClinVar aggregate classification (germline): Pathogenic. Review status: criteria provided, multiple submitters, no conflicts (2 of 4 stars). 12 submissions from 12 submitters: Pathogenic (6). 6 of the submissions do not count toward it. Last evaluated 2026-02-05.

Conditions:
Pulmonary fibrosis and/or bone marrow failure, Telomere-related, 1. Also called: PULMONARY FIBROSIS AND/OR BONE MARROW FAILURE SYNDROME, TELOMERE-RELATED, 1. Identifiers: Orphanet 88, MedGen C3553617, MONDO:0013878, OMIM 614742.
Dyskeratosis congenita. Identifiers: Orphanet 1775, MedGen C0265965, MONDO:0015780.
Dyskeratosis congenita, autosomal dominant 2. Identifiers: MedGen C3151443, MONDO:0013521, OMIM 613989.
Interstitial lung disease 2 (ILD2). Also called: FIBROCYSTIC PULMONARY DYSPLASIA; FIBROSING ALVEOLITIS, CRYPTOGENIC; Familial idiopathic pulmonary fibrosis. Identifiers: Orphanet 2032, Orphanet 79126, MedGen C5561926, MONDO:0800497, OMIM 178500, MONDO:0800029.
Idiopathic Pulmonary Fibrosis. Also called: Idiopathic fibrosing alveolitis, chronic form; idiopathic fibrosing alveolitis. Identifiers: Orphanet 2032, MedGen C1800706, MeSH D054990, MONDO:0800504.
Telomere syndrome. Identifiers: MedGen C4727832, MONDO:0100137.
Pulmonary fibrosis. Identifiers: MedGen C0034069, MONDO:0002771, HP:0002206.

Allele frequency attached by ClinVar (database versions not stated): TOPMed below 0.00001.

Submissions (12):

Ambry Genetics
Classification: Pathogenic for Dyskeratosis congenita. Last evaluated: 2026-02-05. Review status: criteria provided, single submitter. Criteria: Ambry Variant Classification Scheme 2023. Collection method: clinical testing. Allele origin: germline.
Comment: The p.R631Q pathogenic mutation (also known as c.1892G>A), located in coding exon 4 of the TERT gene, results from a G to A substitution at nucleotide position 1892. The arginine at codon 631 is replaced by glutamine, an amino acid with highly similar properties. This variant was reported in individual(s) with features consistent with TERT-related disorder (Basel-Vanagaite L, et al. Haematologica. 2008 Jun; 93(6):943-4; Kirwan M, et al. Br. J. Haematol. 2008 Mar; 140(6):719-22; Kirwan M, et al. Hum. Mutat. 2009 Nov; 30(11):1567-73; Diaz de Leon A, et al. PLoS ONE. 2010 May; 5(5):e10680; Fernandez BA, et al. Respir. Res. 2012 ; 13():64; Collopy LC, et al. Blood. 2015 Jul; 126(2):176-84). Functional analysis in several studies demonstrated that this mutation severely reduced telomerase activity (Kirwan M, et al. Hum. Mutat. 2009 Nov; 30(11):1567-73;Diaz de Leon A, et al. PLoS ONE. 2010 May; 5(5):e10680; Collopy LC, et al. Blood. 2015 Jul; 126(2):176-84). This amino acid position is highly conserved in available vertebrate species. In addition, this alteration is predicted to be deleterious by in silico analysis. This variant is considered to be rare based on population cohorts in the Genome Aggregation Database (gnomAD). Based on the supporting evidence, this variant is interpreted as a disease-causing mutation.

Labcorp Genetics (formerly Invitae), Labcorp
Classification: Pathogenic for Dyskeratosis congenita, autosomal dominant 2; Idiopathic Pulmonary Fibrosis. Last evaluated: 2025-10-18. Review status: criteria provided, single submitter. Criteria: Invitae Variant Classification Sherloc (09022015). Collection method: clinical testing. Allele origin: germline.
Comment: This sequence change replaces arginine, which is basic and polar, with glutamine, which is neutral and polar, at codon 631 of the TERT protein (p.Arg631Gln). This variant is not present in population databases (gnomAD no frequency). This missense change has been observed in individual(s) with clinical features of TERT-related conditions (PMID: 18460650, 19760749, 22853774, 26024875, 29483670). It has also been observed to segregate with disease in related individuals. ClinVar contains an entry for this variant (Variation ID: 29899). Invitae Evidence Modeling of protein sequence and biophysical properties (such as structural, functional, and spatial information, amino acid conservation, physicochemical variation, residue mobility, and thermodynamic stability) indicates that this missense variant is expected to disrupt TERT protein function with a positive predictive value of 95%. Experimental studies have shown that this missense change affects TERT function (PMID: 19760749, 26024875). For these reasons, this variant has been classified as Pathogenic.

GeneDx
Classification: Pathogenic. Last evaluated: 2024-02-08. Review status: criteria provided, single submitter. Criteria: GeneDx Variant Classification Process June 2021. Collection method: clinical testing. Allele origin: germline. Affected: yes.
Comment: Published functional studies demonstrate a damaging effect: decreased TERT protein expression and negligible telomerase activity with correspondingly short telomeres (PMID: 26024875, 20502709, 19760749); In silico analysis supports that this missense variant has a deleterious effect on protein structure/function; Not observed at significant frequency in large population cohorts (gnomAD); This variant is associated with the following publications: (PMID: 20301779, 20502709, 19760749, 18460650, 26024875, 22853774, 23716176, 29483670, 18302718)

3billion
Classification: Pathogenic for Dyskeratosis congenita, autosomal dominant 2. Last evaluated: 2023-06-08. Review status: criteria provided, single submitter. Criteria: ACMG Guidelines, 2015. Collection method: clinical testing. Allele origin: germline. Affected: yes.
Comment: The variant is not observed in the gnomAD v2.1.1 dataset. Predicted Consequence/Location: Missense changes are a common disease-causing mechanism. In silico tool predictions suggest damaging effect of the variant on gene or gene product (REVEL: 0.91; 3Cnet: 0.98). Same nucleotide change resulting in same amino acid change has been previously reported as pathogenic/likely pathogenic with strong evidence (ClinVar ID: VCV000029899 /PMID: 18460650). A different missense change at the same codon (p.Arg631Trp) has been reported as pathogenic/likely pathogenic with strong evidence (ClinVar ID: VCV000916675 /PMID: 26859482). Therefore, this variant is classified as Pathogenic according to the recommendation of ACMG/AMP guideline.

Neuberg Centre For Genomic Medicine, NCGM
Classification: Pathogenic for Dyskeratosis congenita, autosomal dominant 2. Last evaluated: 2023-05-20. Review status: criteria provided, single submitter. Criteria: ACMG Guidelines, 2015. Collection method: clinical testing. Allele origin: germline. Inheritance: Autosomal dominant inheritance. Affected: yes.
Comment: The missense variant c.1892G>A(p.Arg631Gln) in TERT gene has been observed in heterozygous and/or compound heterozygous state in individual(s) with clinical features of TERT-related conditions (Collopy LC et. al.,; 2015; Norberg A et. al., 2018). It has also been observed to segregate with disease in related individuals. Experimental studies have shown that this missense change affects TERT function (Collopy LC et. al.,; 2015). The observed variant is absent in gnomAD exomes database. This variant has been reported to the ClinVar database as Pathogenic by multiple submitters. Multiple lines of computational evidence (Polyphen - probably damaging, SIFT - damaging and MutationTaster - disease causing) predict a damaging effect on protein structure and function for this variant. The reference amino acid change p.Arg631Gln in TERT is predicted as conserved by GERP++ and PhyloP across 100 vertebrates. The amino acid Arg at position 631 is changed to a Gln changing protein sequence and it might alter its composition and physico-chemical properties. For these reasons, this variant has been classified as Pathogenic.

Degerman lab, Umeå University
Classification: Pathogenic for Pulmonary fibrosis and/or bone marrow failure, Telomere-related, 1. Last evaluated: 2017-11-23. Review status: criteria provided, single submitter. Criteria: ACMG Guidelines, 2015. Collection method: clinical testing. Allele origin: germline. Affected: yes. Observed: 1 variant allele.

The Telomere Center at Johns Hopkins, Johns Hopkins University School of Medicine
Classification: Pathogenic for Telomere syndrome. Last evaluated: 2022-08-01. Review status: no assertion criteria provided. Collection method: clinical testing. Allele origin: germline. Affected: yes. Observed: 1 variant allele. Not counted in ClinVar's aggregate classification.

Garcia Pulmonary Genetics Research Laboratory, Columbia University Irving Medical Center
Classification: Likely risk allele for Pulmonary fibrosis. Last evaluated: 2022-06-09. Review status: no assertion criteria provided. Collection method: research. Allele origin: germline. Affected: yes. Not counted in ClinVar's aggregate classification.
Comment: Leukocyte telomere length (by qPCR) less than 10th percentile age-adjusted

Genetic Services Laboratory, University of Chicago
Classification: Pathogenic. Last evaluated: 2022-05-04. Review status: no assertion criteria provided. Collection method: clinical testing. Allele origin: germline. Affected: yes. Not counted in ClinVar's aggregate classification.
Comment: DNA sequence analysis of the TERT gene demonstrated a sequence change, c.1892G>A, in exon 4 that results in an amino acid change, p.Arg631Gln. The p.Arg631Gln change affects a highly conserved amino acid residue located in a domain of the TERT protein that is known to be functional. The p.Arg631Gln substitution appears to be deleterious using several in-silico pathogenicity prediction tools (SIFT, PolyPhen2, Align GVGD, REVEL). Experimental studies have demonstrated that this sequence change impacts the function of the TERT protein (PMID: 26024875, 19760749). This sequence change has previously been described in multiple individuals with TERT-related disorders (PMID: 29920840, 22853774, 19760749, 18460650, 26024875, 29483670). This sequence change has not been described in population databases such as ExAC and gnomAD. The p.Arg631Gln amino acid change occurs in a region of the TERT gene where other missense sequence changes have been described in individuals with TERT-related disorders including another missense change at the same position (p. Arg631Trp) (PMID: 26859482, 26329388, 30523342). Collectively, these evidences indicate this sequence change is pathogenic.

Department of Respiratory and Critical Care Medicine, Tongji Hospital, Tongji Medical College, Huazhong University of Science and Technology
Classification: Pathogenic for Interstitial lung disease 2. Last evaluated: 2018-05-06. Review status: no assertion criteria provided. Collection method: case-control. Allele origin: germline. Affected: yes. Not counted in ClinVar's aggregate classification.

OMIM
Classification: Pathogenic for DYSKERATOSIS CONGENITA, AUTOSOMAL DOMINANT 2. Last evaluated: 2008-06-01. Review status: no assertion criteria provided. Collection method: literature only. Allele origin: germline. Not counted in ClinVar's aggregate classification.

GeneReviews
No classification provided. Condition: Interstitial lung disease 2. Review status: no classification provided. Collection method: literature only. Allele origin: unknown. Not counted in ClinVar's aggregate classification.

Literature cited by the submitters: PubMed 18302718 (cited by Ambry Genetics); PubMed 18460650 (cited by 4 submitters); PubMed 19760749 (cited by Ambry Genetics and Labcorp Genetics (formerly Invitae), Labcorp); PubMed 20502709 (cited by Ambry Genetics); PubMed 22853774 (cited by Ambry Genetics and Labcorp Genetics (formerly Invitae), Labcorp); PubMed 26024875 (cited by Ambry Genetics and Labcorp Genetics (formerly Invitae), Labcorp); PubMed 29483670 (cited by 3 submitters); PubMed 26859482 (cited by 3billion); PubMed 20301779 (cited by GeneReviews); NCBI Bookshelf NBK22301 (cited by GeneReviews).

NM_198253.3(TERT):c.1892G>A (p.Arg631Gln)

Gene: TERT (telomerase reverse transcriptase; minus strand). Cytogenetic location: 5p15.33.
Variant type: single nucleotide variant.
Coding change: c.1892G>A on transcript NM_198253.3 (MANE Select); coding-DNA position 1892, G replaced by A.
Protein change: p.Arg631Gln; replaces arginine 631 with glutamine.
Molecular consequence: missense variant. On other transcripts: non-coding transcript variant (2).
Genome position (GRCh38, 1-based): chr5:1,280,216, C>T on the plus strand (G>A on the coding strand, the complement: TERT is on the minus strand). VCF-style: chr5-1280216-C-T. GRCh37 (hg19) VCF-style: chr5-1280331-C-T.
Other names: c.1892G>A, p.Arg631Gln (NM_001193376.3); short protein forms R631Q.
Identifiers: ClinVar variation 29899 (VCV000029899.65), dbSNP rs199422294, ClinGen allele CA128724.